The following is an entry in ClinVar:

NM_000632.4(ITGAM):c.424C>T (p.Arg142Ter)

Genes: ITGAM (integrin subunit alpha M; plus strand), LOC126862331 (P300/CBP strongly-dependent group 1 enhancer GRCh37_chr16:31276375-31277574; plus strand). Cytogenetic location: 16p11.2.
Variant type: single nucleotide variant.
Coding change: c.424C>T on transcript NM_000632.4 (MANE Select); coding-DNA position 424, C replaced by T.
Protein change: p.Arg142Ter; replaces arginine 142 with a stop codon.
Molecular consequence: nonsense.
Genome position (GRCh38, 1-based): chr16:31,266,144, C>T. VCF-style: chr16-31266144-C-T. GRCh37 (hg19) VCF-style: chr16-31277465-C-T.
Other names: c.424C>T, p.Arg142Ter (NM_001145808.2); short protein forms R142*.
Identifiers: ClinVar variation 2721087 (VCV002721087.3), dbSNP rs777964824, ClinGen allele CA395685546.

ClinVar aggregate classification (germline): Uncertain significance (1 of 4 stars; one submission).

gnomAD v4.1: 4 of 1,611,210 alleles (0.00025%); highest among the groups gnomAD compares: Non-Finnish European, 0.00034%; no homozygotes.

Submission:

Labcorp Genetics (formerly Invitae), Labcorp
Classification: Uncertain significance. Last evaluated: 2024-02-06. Review status: criteria provided, single submitter. Criteria: Invitae Variant Classification Sherloc (09022015). Collection method: clinical testing. Allele origin: germline.
Comment: This sequence change creates a premature translational stop signal (p.Arg142*) in the ITGAM gene. It is expected to result in an absent or disrupted protein product. However, the current clinical and genetic evidence is not sufficient to establish whether loss-of-function variants in ITGAM cause disease. The frequency data for this variant in the population databases is considered unreliable, as metrics indicate poor data quality at this position in the gnomAD database. This variant has not been reported in the literature in individuals affected with ITGAM-related conditions. In summary, the available evidence is currently insufficient to determine the role of this variant in disease. Therefore, it has been classified as a Variant of Uncertain Significance.